The following is an entry in ClinVar:

ClinVar aggregate classification (germline): Conflicting classifications of pathogenicity. Review status: criteria provided, conflicting classifications (1 of 4 stars). 3 submissions from 3 submitters: Uncertain significance (1); Likely benign (1). 1 of the submissions does not count toward it. Last evaluated 2022-06-01.

Conditions:
NLGN3-related disorder. Also called: NLGN3-related condition.

Allele frequency attached by ClinVar (database versions not stated): gnomAD 0.00011 and 0.00012; TOPMed 0.00014; gnomAD exomes 0.00017 and 0.00024; ExAC 0.00022.
gnomAD v4.1: 283 of 1,207,995 alleles (0.023%); highest among the groups gnomAD compares: South Asian, 0.13%; no homozygotes.

Submissions (3):

CeGaT Center for Human Genetics Tuebingen
Classification: Likely benign. Last evaluated: 2022-06-01. Review status: criteria provided, single submitter. Criteria: CeGaT Center For Human Genetics Tuebingen Variant Classification Criteria Version 2. Collection method: clinical testing. Allele origin: germline. Affected: yes. Observed: 1 variant allele.
Comment: NLGN3: BP4, BP7

Genetic Services Laboratory, University of Chicago
Classification: Uncertain significance. Last evaluated: 2014-10-14. Review status: criteria provided, single submitter. Criteria: ACMG Guidelines, 2015. Collection method: clinical testing. Allele origin: germline.

PreventionGenetics, part of Exact Sciences
Classification: Likely benign for NLGN3-related condition. Last evaluated: 2023-12-05. Review status: no assertion criteria provided. Collection method: clinical testing. Allele origin: germline. Not counted in ClinVar's aggregate classification.
Comment: This variant is classified as likely benign based on ACMG/AMP sequence variant interpretation guidelines (Richards et al. 2015 PMID: 25741868, with internal and published modifications).

NM_181303.2(NLGN3):c.435C>T (p.Asn145=)

Gene: NLGN3 (neuroligin 3; plus strand). Cytogenetic location: Xq13.1.
Variant type: single nucleotide variant.
Coding change: c.435C>T on transcript NM_181303.2 (MANE Select); coding-DNA position 435, C replaced by T.
Protein change: p.Asn145=; no amino-acid change (asparagine 145 retained).
Molecular consequence: synonymous variant.
Genome position (GRCh38, 1-based): chrX:71,148,184, C>T. VCF-style: chrX-71148184-C-T. GRCh37 (hg19) VCF-style: chrX-70368034-C-T.
Other names: c.435C>T, p.Asn145= (NM_001166660.2, NM_018977.4); c.84C>T, p.Asn28= (NM_001321276.2).
Identifiers: ClinVar variation 211677 (VCV000211677.31), dbSNP rs771275997, ClinGen allele CA205575.